The following is an entry in ClinVar:

ClinVar aggregate classification (germline): Uncertain significance (1 of 4 stars; one submission).

Allele frequency attached by ClinVar (database versions not stated): ExAC 0.00001.
gnomAD v4.1: 3 of 1,614,192 alleles (0.00019%); highest among the groups gnomAD compares: South Asian, 0.0033%; no homozygotes.

Submission:

Labcorp Genetics (formerly Invitae), Labcorp
Classification: Uncertain significance. Last evaluated: 2022-06-22. Review status: criteria provided, single submitter. Criteria: Invitae Variant Classification Sherloc (09022015). Collection method: clinical testing. Allele origin: germline.
Comment: In summary, the available evidence is currently insufficient to determine the role of this variant in disease. Therefore, it has been classified as a Variant of Uncertain Significance. Advanced modeling of protein sequence and biophysical properties (such as structural, functional, and spatial information, amino acid conservation, physicochemical variation, residue mobility, and thermodynamic stability) performed at Invitae indicates that this missense variant is expected to disrupt ALDH3A2 protein function. This variant has not been reported in the literature in individuals affected with ALDH3A2-related conditions. This variant is present in population databases (rs771983689, gnomAD 0.006%). This sequence change replaces proline, which is neutral and non-polar, with threonine, which is neutral and polar, at codon 101 of the ALDH3A2 protein (p.Pro101Thr).

NM_000382.3(ALDH3A2):c.301C>A (p.Pro101Thr)

Gene: ALDH3A2 (aldehyde dehydrogenase 3 family member A2; plus strand). Cytogenetic location: 17p11.2.
Variant type: single nucleotide variant.
Coding change: c.301C>A on transcript NM_000382.3 (MANE Select); coding-DNA position 301, C replaced by A.
Protein change: p.Pro101Thr; replaces proline 101 with threonine.
Molecular consequence: missense variant. On other transcripts: 5 prime UTR variant (1).
Genome position (GRCh38, 1-based): chr17:19,651,694, C>A. VCF-style: chr17-19651694-C-A. GRCh37 (hg19) VCF-style: chr17-19555007-C-A.
Other names: c.301C>A, p.Pro101Thr (NM_001031806.2, NM_001369136.1, NM_001369137.2 and 3 more transcripts); c.-388C>A (NM_001369148.2); short protein forms P101T.
Identifiers: ClinVar variation 1913766 (VCV001913766.5), dbSNP rs771983689, ClinGen allele CA8442767.